The following is an entry in ClinVar:

NM_001387430.1(SH2B1):c.809G>A (p.Arg270Gln)

Gene: SH2B1 (SH2B adaptor protein 1; plus strand). Cytogenetic location: 16p11.2.
Variant type: single nucleotide variant.
Coding change: c.809G>A on transcript NM_001387430.1 (MANE Select); coding-DNA position 809, G replaced by A.
Protein change: p.Arg270Gln; replaces arginine 270 with glutamine.
Molecular consequence: missense variant. On other transcripts: intron variant (1).
Genome position (GRCh38, 1-based): chr16:28,866,903, G>A. VCF-style: chr16-28866903-G-A. GRCh37 (hg19) VCF-style: chr16-28878224-G-A.
Other names: c.809G>A, p.Arg270Gln (NM_001145795.2, NM_001145796.2, NM_001145797.2 and 4 more transcripts); c.-26-471G>A (NM_001308294.2); short protein forms R270Q.
Identifiers: ClinVar variation 2429078 (VCV002429078.5), dbSNP rs748454799, ClinGen allele CA7986008.

ClinVar aggregate classification (germline): Uncertain significance. Review status: criteria provided, multiple submitters, no conflicts (2 of 4 stars). 2 submissions from 2 submitters: Uncertain significance (2). Last evaluated 2025-08-17.

Conditions:
SH2B1-related disorder. Also called: SH2B1-related condition.

Allele frequency attached by ClinVar (database versions not stated): ExAC 0.00003; gnomAD 0.00003; TOPMed 0.00006.

Submissions (2):

PreventionGenetics, part of Exact Sciences
Classification: Uncertain significance for SH2B1-related condition. Last evaluated: 2025-08-17. Review status: criteria provided, single submitter. Criteria: ACMG Guidelines, 2015. Collection method: clinical testing. Allele origin: germline.
Comment: The SH2B1 c.809G>A variant is predicted to result in the amino acid substitution p.Arg270Gln. This variant is reported in 0.0085% of alleles in individuals of African descent in gnomAD. At this time, the clinical significance of this variant is uncertain due to the absence of conclusive functional and genetic evidence.

Greenwood Genetic Center Diagnostic Laboratories, Greenwood Genetic Center
Classification: Uncertain significance. Last evaluated: 2022-10-17. Review status: criteria provided, single submitter. Criteria: ACMG Guidelines, 2015. Collection method: clinical testing. Allele origin: germline. Affected: yes.
Comment: No Applicable ACMG Criteria